The following is an entry in ClinVar:

NM_020347.4(LZTFL1):c.176A>G (p.Asn59Ser)

Gene: LZTFL1 (leucine zipper transcription factor like 1; minus strand). Cytogenetic location: 3p21.31.
Variant type: single nucleotide variant.
Coding change: c.176A>G on transcript NM_020347.4 (MANE Select); coding-DNA position 176, A replaced by G.
Protein change: p.Asn59Ser; replaces asparagine 59 with serine.
Molecular consequence: missense variant. On other transcripts: non-coding transcript variant (1).
Genome position (GRCh38, 1-based): chr3:45,835,737, T>C on the plus strand (A>G on the coding strand, the complement: LZTFL1 is on the minus strand). VCF-style: chr3-45835737-T-C. GRCh37 (hg19) VCF-style: chr3-45877229-T-C.
Other names: c.125A>G, p.Asn42Ser (NM_001276378.2, NM_001386451.1); c.164A>G, p.Asn55Ser (NM_001276379.2); c.176A>G, p.Asn59Ser (NM_001386452.1); short protein forms N55S, N59S, N42S.
Identifiers: ClinVar variation 967910 (VCV000967910.5), dbSNP rs995203098, ClinGen allele CA73638883.

ClinVar aggregate classification (germline): Uncertain significance (1 of 4 stars; one submission).

Allele frequency attached by ClinVar (database versions not stated): TOPMed below 0.00001; gnomAD exomes 0.00001 and 0.00002.
gnomAD v4.1: 14 of 1,614,120 alleles (0.00087%); highest among the groups gnomAD compares: Admixed American, 0.0017%; no homozygotes.

Submission:

Labcorp Genetics (formerly Invitae), Labcorp
Classification: Uncertain significance. Last evaluated: 2022-11-01. Review status: criteria provided, single submitter. Criteria: Invitae Variant Classification Sherloc (09022015). Collection method: clinical testing. Allele origin: germline.
Comment: In summary, the available evidence is currently insufficient to determine the role of this variant in disease. Therefore, it has been classified as a Variant of Uncertain Significance. Advanced modeling of protein sequence and biophysical properties (such as structural, functional, and spatial information, amino acid conservation, physicochemical variation, residue mobility, and thermodynamic stability) performed at Invitae indicates that this missense variant is not expected to disrupt LZTFL1 protein function. This sequence change replaces asparagine, which is neutral and polar, with serine, which is neutral and polar, at codon 59 of the LZTFL1 protein (p.Asn59Ser). This variant is present in population databases (no rsID available, gnomAD 0.003%). ClinVar contains an entry for this variant (Variation ID: 967910). This variant has not been reported in the literature in individuals affected with LZTFL1-related conditions.